The following is an entry in ClinVar:

ClinVar aggregate classification (germline): Uncertain significance (1 of 4 stars; one submission).

Conditions:
Myopathy, proximal, and ophthalmoplegia (CMYO6). Also called: CONGENITAL MYOPATHY 6 WITH OPHTHALMOPLEGIA; MYOPATHY WITH CONGENITAL JOINT CONTRACTURES, OPHTHALMOPLEGIA, AND RIMMED VACUOLES; INCLUSION BODY MYOPATHY 3, AUTOSOMAL DOMINANT. Identifiers: Orphanet 363677, Orphanet 79091, MedGen C1854106, MONDO:0011577, OMIM 605637.

Allele frequency attached by ClinVar (database versions not stated): gnomAD exomes below 0.00001; TOPMed below 0.00001.

Submission:

Labcorp Genetics (formerly Invitae), Labcorp
Classification: Uncertain significance for Myopathy, proximal, and ophthalmoplegia. Last evaluated: 2022-08-05. Review status: criteria provided, single submitter. Criteria: Invitae Variant Classification Sherloc (09022015). Collection method: clinical testing. Allele origin: germline.
Comment: This sequence change replaces leucine, which is neutral and non-polar, with phenylalanine, which is neutral and non-polar, at codon 399 of the MYH2 protein (p.Leu399Phe). This variant is present in population databases (no rsID available, gnomAD 0.02%). This variant has not been reported in the literature in individuals affected with MYH2-related conditions. Algorithms developed to predict the effect of missense changes on protein structure and function are either unavailable or do not agree on the potential impact of this missense change (SIFT: "Deleterious"; PolyPhen-2: "Possibly Damaging"; Align-GVGD: "Class C15"). In summary, the available evidence is currently insufficient to determine the role of this variant in disease. Therefore, it has been classified as a Variant of Uncertain Significance.

NM_017534.6(MYH2):c.1195C>T (p.Leu399Phe)

Genes: MYHAS (myosin heavy chain gene cluster antisense RNA; plus strand), MYH2 (myosin heavy chain 2; minus strand). Cytogenetic location: 17p13.1.
Variant type: single nucleotide variant.
Coding change: c.1195C>T on transcript NM_017534.6 (MANE Select); coding-DNA position 1195, C replaced by T.
Protein change: p.Leu399Phe; replaces leucine 399 with phenylalanine.
Molecular consequence: missense variant.
Genome position (GRCh38, 1-based): chr17:10,539,515, G>A on the plus strand (C>T on the coding strand, the complement: MYH2 is on the minus strand). VCF-style: chr17-10539515-G-A. GRCh37 (hg19) VCF-style: chr17-10442832-G-A.
Other names: c.1195C>T, p.Leu399Phe (NM_001100112.2); short protein forms L399F.
Identifiers: ClinVar variation 2161554 (VCV002161554.4), dbSNP rs1295875029, ClinGen allele CA398161508.